The following is an entry in ClinVar:

NM_000422.3(KRT17):c.108T>C (p.Gly36=)

Gene: KRT17 (keratin 17; minus strand). Cytogenetic location: 17q21.2.
Variant type: single nucleotide variant.
Coding change: c.108T>C on transcript NM_000422.3 (MANE Select); coding-DNA position 108, T replaced by C.
Protein change: p.Gly36=; no amino-acid change (glycine 36 retained).
Molecular consequence: synonymous variant.
Genome position (GRCh38, 1-based): chr17:41,624,402, A>G on the plus strand (T>C on the coding strand, the complement: KRT17 is on the minus strand). VCF-style: chr17-41624402-A-G. GRCh37 (hg19) VCF-style: chr17-39780654-A-G.
Identifiers: ClinVar variation 3053207 (VCV003053207.2), dbSNP rs754000754, ClinGen allele CA500206746.

ClinVar aggregate classification (germline): Likely benign (0 of 4 stars; one submission).

Conditions:
KRT17-related disorder. Also called: KRT17-related condition.

Allele frequency attached by ClinVar (database versions not stated): gnomAD exomes below 0.00001.
gnomAD v4.1: 5 of 1,610,250 alleles (0.00031%); highest among the groups gnomAD compares: Non-Finnish European, 0.00042%; no homozygotes.

Submission:

PreventionGenetics, part of Exact Sciences
Classification: Likely benign for KRT17-related condition. Last evaluated: 2019-09-04. Review status: no assertion criteria provided. Collection method: clinical testing. Allele origin: germline.
Comment: This variant is classified as likely benign based on ACMG/AMP sequence variant interpretation guidelines (Richards et al. 2015 PMID: 25741868, with internal and published modifications).